The following is an entry in ClinVar:

ClinVar aggregate classification (germline): Likely pathogenic (1 of 4 stars; one submission).

Conditions:
Supravalvar aortic stenosis (SVAS). Also called: Supravalvar aortic stenosis, Eisenberg type. Identifiers: Orphanet 3193, MedGen C0003499, MONDO:0008504, OMIM 185500, HP:0004381.

Submission:

Labcorp Genetics (formerly Invitae), Labcorp
Classification: Likely pathogenic for Supravalvar aortic stenosis. Last evaluated: 2024-10-24. Review status: criteria provided, single submitter. Criteria: Invitae Variant Classification Sherloc (09022015). Collection method: clinical testing. Allele origin: germline.
Comment: This sequence change affects a donor splice site in intron 23 of the ELN gene. It is expected to disrupt RNA splicing. Variants that disrupt the donor or acceptor splice site typically lead to a loss of protein function (PMID: 16199547), and loss-of-function variants in ELN are known to be pathogenic (PMID: 11175284). This variant is not present in population databases (gnomAD no frequency). This variant has not been reported in the literature in individuals affected with ELN-related conditions. ClinVar contains an entry for this variant (Variation ID: 2035410). Algorithms developed to predict the effect of sequence changes on RNA splicing suggest that this variant may disrupt the consensus splice site. In summary, the currently available evidence indicates that the variant is pathogenic, but additional data are needed to prove that conclusively. Therefore, this variant has been classified as Likely Pathogenic.

Literature cited by the submitters: PubMed 16199547; PubMed 11175284.

NM_000501.4(ELN):c.1414+1G>C

Gene: ELN (elastin; plus strand). Cytogenetic location: 7q11.23.
Variant type: single nucleotide variant.
Coding change: c.1414+1G>C on transcript NM_000501.4 (MANE Select); the canonical splice donor site of the intron after coding-DNA position 1414, G replaced by C.
Molecular consequence: splice donor variant. On other transcripts: intron variant (7).
Genome position (GRCh38, 1-based): chr7:74,057,697, G>C. VCF-style: chr7-74057697-G-C. GRCh37 (hg19) VCF-style: chr7-73472027-G-C.
Other names: c.1429+1G>C (NM_001081754.3); c.1372+984G>C (NM_001081753.3); c.1501+1G>C (NM_001278939.2); c.1414+1G>C (NM_001278915.2, NM_001278912.2); c.1357+984G>C (NM_001081755.3); c.1315+984G>C (NM_001278916.2); c.1171+984G>C (NM_001278913.2); c.1342+984G>C (NM_001278914.2); and 3 more.
Identifiers: ClinVar variation 2035410 (VCV002035410.4), dbSNP rs1284902357, ClinGen allele CA367883178.